The following is an entry in ClinVar:

ClinVar aggregate classification (germline): Benign/Likely benign. Review status: criteria provided, multiple submitters, no conflicts (2 of 4 stars). 4 submissions from 4 submitters: Benign (1); Likely benign (2). 1 of the submissions does not count toward it. Last evaluated 2025-07-14.

Conditions:
RRAS-related disorder. Also called: RRAS-related condition.
Noonan syndrome (NS). Also called: Noonan's syndrome. Identifiers: Orphanet 648, MedGen C0028326, MeSH D009634, MONDO:0018997. Disease mechanism: gain of function.

Allele frequency attached by ClinVar (database versions not stated): gnomAD 0.00001; gnomAD exomes 0.00002 and 0.00008; TOPMed 0.00006; ExAC 0.00009.
gnomAD v4.1: 30 of 1,613,950 alleles (0.0019%); highest among the groups gnomAD compares: Admixed American, 0.037%; no homozygotes.

Submissions (4):

Labcorp Genetics (formerly Invitae), Labcorp
Classification: Likely benign for Noonan syndrome. Last evaluated: 2025-07-14. Review status: criteria provided, single submitter. Criteria: Invitae Variant Classification Sherloc (09022015). Collection method: clinical testing. Allele origin: germline.

Women's Health and Genetics/Laboratory Corporation of America, LabCorp
Classification: Benign. Last evaluated: 2024-11-19. Review status: criteria provided, single submitter. Criteria: LabCorp Variant Classification Summary - May 2015. Collection method: clinical testing. Allele origin: germline.

Ambry Genetics
Classification: Likely benign. Last evaluated: 2021-08-07. Review status: criteria provided, single submitter. Criteria: Ambry Variant Classification Scheme 2023. Collection method: clinical testing. Allele origin: germline.

PreventionGenetics, part of Exact Sciences
Classification: Likely benign for RRAS-related condition. Last evaluated: 2020-10-23. Review status: no assertion criteria provided. Collection method: clinical testing. Allele origin: germline. Not counted in ClinVar's aggregate classification.
Comment: This variant is classified as likely benign based on ACMG/AMP sequence variant interpretation guidelines (Richards et al. 2015 PMID: 25741868, with internal and published modifications).

NM_006270.5(RRAS):c.396C>T (p.Arg132=)

Gene: RRAS (RAS related; minus strand). Cytogenetic location: 19q13.33.
Variant type: single nucleotide variant.
Coding change: c.396C>T on transcript NM_006270.5 (MANE Select); coding-DNA position 396, C replaced by T.
Protein change: p.Arg132=; no amino-acid change (arginine 132 retained).
Molecular consequence: synonymous variant.
Genome position (GRCh38, 1-based): chr19:49,636,676, G>A on the plus strand (C>T on the coding strand, the complement: RRAS is on the minus strand). VCF-style: chr19-49636676-G-A. GRCh37 (hg19) VCF-style: chr19-50139933-G-A.
Identifiers: ClinVar variation 707745 (VCV000707745.14), dbSNP rs748366671, ClinGen allele CA9579033.